The following is an entry in ClinVar:

ClinVar aggregate classification (germline): Uncertain significance (1 of 4 stars; one submission).

Submission:

GeneDx
Classification: Uncertain significance. Last evaluated: 2021-02-26. Review status: criteria provided, single submitter. Criteria: GeneDx Variant Classification Process June 2021. Collection method: clinical testing. Allele origin: germline. Affected: yes.
Comment: Not observed in large population cohorts (Lek et al., 2016); In silico analysis supports that this missense variant has a deleterious effect on protein structure/function; Has not been previously published as pathogenic or benign to our knowledge

NM_000540.3(RYR1):c.7526T>G (p.Val2509Gly)

Gene: RYR1 (ryanodine receptor 1; plus strand). Cytogenetic location: 19q13.2.
Variant type: single nucleotide variant.
Coding change: c.7526T>G on transcript NM_000540.3 (MANE Select); coding-DNA position 7526, T replaced by G.
Protein change: p.Val2509Gly; replaces valine 2509 with glycine.
Molecular consequence: missense variant.
Genome position (GRCh38, 1-based): chr19:38,500,902, T>G. VCF-style: chr19-38500902-T-G. GRCh37 (hg19) VCF-style: chr19-38991542-T-G.
Other names: c.7526T>G, p.Val2509Gly (NM_001042723.2); short protein forms V2509G.
Identifiers: ClinVar variation 1314142 (VCV001314142.2), dbSNP rs2145606371, ClinGen allele CA405670389.